The following is an entry in ClinVar:

NM_000051.4(ATM):c.8045C>G (p.Thr2682Ser)

Genes: ATM (ATM serine/threonine kinase; plus strand), C11orf65 (chromosome 11 open reading frame 65; minus strand). Cytogenetic location: 11q22.3.
Variant type: single nucleotide variant.
Coding change: c.8045C>G on transcript NM_000051.4 (MANE Select); coding-DNA position 8045, C replaced by G.
Protein change: p.Thr2682Ser; replaces threonine 2682 with serine.
Molecular consequence: missense variant. On other transcripts: intron variant (2).
Genome position (GRCh38, 1-based): chr11:108,335,003, C>G. VCF-style: chr11-108335003-C-G. GRCh37 (hg19) VCF-style: chr11-108205730-C-G.
Other names: NM_000051.4(ATM):c.8045C>G; p.Thr2682Ser; c.8045C>G, p.Thr2682Ser (NM_001351834.2); c.641-25932G>C (NM_001330368.2); c.*38+217G>C (NM_001351110.2); short protein forms T2682S.
Identifiers: ClinVar variation 644144 (VCV000644144.24), dbSNP rs1175177178, ClinGen allele CA382561906.

ClinVar aggregate classification (germline): Pathogenic. Review status: reviewed by expert panel (3 of 4 stars). 5 submissions from 5 submitters: Pathogenic (1). 4 of the submissions do not count toward it. Last evaluated 2026-06-19.

Conditions:
Hereditary cancer-predisposing syndrome. Also called: Tumor predisposition; Hereditary neoplastic syndrome; Neoplastic Syndromes, Hereditary; Hereditary Cancer Syndrome. Identifiers: Orphanet 140162, MedGen C0027672, MeSH D009386, MONDO:0015356.
ATM-related cancer predisposition. Also called: ATM-related cancer susceptibility. Identifiers: MedGen CN377759, MONDO:0700270.
Ataxia-telangiectasia syndrome (AT). Also called: Ataxia-telangiectasia, complementation group D; AT, COMPLEMENTATION GROUP C; ATAXIA-TELANGIECTASIA, COMPLEMENTATION GROUP A; ATAXIA-TELANGIECTASIA, FRESNO VARIANT; Ataxia-telangiectasia; LOUIS-BAR SYNDROME. Identifiers: Orphanet 100, MedGen C0004135, MONDO:0008840, OMIM 208900.

Allele frequency attached by ClinVar (database versions not stated): gnomAD 0.00001.

Submissions (5):

ClinGen Hereditary Breast, Ovarian and Pancreatic Cancer Variant Curation Expert Panel, ClinGen
Classification: Pathogenic for ATM-related cancer predisposition. Last evaluated: 2026-06-19. Review status: reviewed by expert panel. Criteria: ClinGen HBOP ACMG Specifications ATM V1.4.0. Collection method: curation. Allele origin: germline. Inheritance: Autosomal dominant inheritance.
Comment: The c.8045C>G variant in ATM is a missense variant predicted to cause substitution of threonine by serine at amino acid 2682 (p.Thr2682Ser). This variant has been detected in individual(s) with Ataxia-Telangiectasia (PMID: 12815592). The highest population minor allele frequency in gnomAD v4.1.0 is 0.0.00002229 (1/44868alleles) in East Asian population; while this is higher than the HBOP VCEP threshold (≤0.00001) for PM2_Supporting, it is present in only one allele, meeting this criterion. The computational splicing predictor SpliceAI gives a score of 0.97 for donor gain, predicting that the variant disrupts the donor splice site of ATM. RNA analysis demonstrated that this variant leads to partial skipping of exon 54, resulting in an in-frame deletion (removes amino acids 2681-2717) that is predicted to escape nonsense mediated decay but adversely impact the FATKIN domain (Ambry internal data). In summary, this variant meets the criteria to be classified as pathogenic for autosomal dominant ATM-related cancer predisposition and autosomal recessive Ataxia-Telangiectasia based on the ACMG/AMP criteria applied as specified by the HBOP VCEP. (PM3_Supporting, PM2_Supporting, PVS1[RNA]).

Ambry Genetics
Classification: Likely pathogenic for Hereditary cancer-predisposing syndrome. Last evaluated: 2026-06-28. Review status: criteria provided, single submitter. Criteria: Ambry Variant Classification Scheme 2023. Collection method: clinical testing. Allele origin: germline. Not counted in ClinVar's aggregate classification.
Comment: The c.8045C>G variant (also known as p.T2682S), located in coding exon 54 of the ATM gene, results from a C to G substitution at nucleotide position 8045. The threonine at codon 2682 is replaced by serine, an amino acid with similar properties. This variant has been identified in the homozygous state and/or in conjunction with other ATM variant(s) in individual(s) who met clinical criteria for ataxia telangiectasia (Mitui M et al. Hum Mutat. 2003 Jul;22(1):43-50). In an assay testing ATM function, this variant showed a functionally abnormal result (Lee KS et al. Cell, 2025 Sep;188:5081-5099.e27). This nucleotide position is highly conserved in available vertebrate species. In silico splice site analysis predicts that this alteration will result in the creation or strengthening of a novel splice donor site. RNA studies have demonstrated that this alteration results in abnormal splicing in the set of samples tested (Ambry internal data). Based on the majority of available evidence to date, this variant is likely to be pathogenic.

Labcorp Genetics (formerly Invitae), Labcorp
Classification: Uncertain significance for Ataxia-telangiectasia syndrome. Last evaluated: 2025-08-11. Review status: criteria provided, single submitter. Criteria: Invitae Variant Classification Sherloc (09022015). Collection method: clinical testing. Allele origin: germline. Not counted in ClinVar's aggregate classification.
Comment: This sequence change replaces threonine, which is neutral and polar, with serine, which is neutral and polar, at codon 2682 of the ATM protein (p.Thr2682Ser). This variant is present in population databases (no rsID available, gnomAD 0.06%). This missense change has been observed in individual(s) with ataxia telangiectasia (PMID: 12815592). ClinVar contains an entry for this variant (Variation ID: 644144). Invitae Evidence Modeling of protein sequence and biophysical properties (such as structural, functional, and spatial information, amino acid conservation, physicochemical variation, residue mobility, and thermodynamic stability) indicates that this missense variant is not expected to disrupt ATM protein function with a negative predictive value of 95%. Algorithms developed to predict the effect of sequence changes on RNA splicing suggest that this variant may disrupt the consensus splice site. In summary, the available evidence is currently insufficient to determine the role of this variant in disease. Therefore, it has been classified as a Variant of Uncertain Significance.

Women's Health and Genetics/Laboratory Corporation of America, LabCorp
Classification: Uncertain significance. Last evaluated: 2025-03-10. Review status: criteria provided, single submitter. Criteria: LabCorp Variant Classification Summary - May 2015. Collection method: clinical testing. Allele origin: germline. Not counted in ClinVar's aggregate classification.
Comment: Variant summary: ATM c.8045C>G (p.Thr2682Ser) results in a conservative amino acid change in the encoded protein sequence. Three of five in-silico tools predict a benign effect of the variant on protein function. The variant was absent in 251232 control chromosomes. The available data on variant occurrences in the general population are insufficient to allow any conclusion about variant significance. c.8045C>G has been reported in the compound heterozygous state in the literature in at least 1 individual affected with Ataxia-Telangiectasia (example, Mitui_2003). These data do not allow any conclusion about variant significance. To our knowledge, no experimental evidence demonstrating an impact on protein function has been reported. The following publication has been ascertained in the context of this evaluation (PMID: 12815592). ClinVar contains an entry for this variant (Variation ID: 644144). Based on the evidence outlined above, the variant was classified as uncertain significance.

Natera, Inc.
Classification: Uncertain significance for Ataxia-telangiectasia. Last evaluated: 2021-01-04. Review status: no assertion criteria provided. Collection method: clinical testing. Allele origin: germline. Not counted in ClinVar's aggregate classification.

Literature cited by the submitters: PubMed 12815592 (cited by 3 submitters); PubMed 40580951 (cited by Ambry Genetics).